The following is an entry in ClinVar:

ClinVar aggregate classification (germline): Uncertain significance (1 of 4 stars; one submission).

Conditions:
Inborn genetic diseases. Identifiers: MedGen C0950123, MeSH D030342.

Submission:

Ambry Genetics
Classification: Uncertain significance for Inborn genetic diseases. Last evaluated: 2024-09-15. Review status: criteria provided, single submitter. Criteria: Ambry Variant Classification Scheme 2023. Collection method: clinical testing. Allele origin: germline.
Comment: The p.T122R variant (also known as c.365C>G), located in coding exon 3 of the EPAS1 gene, results from a C to G substitution at nucleotide position 365. The threonine at codon 122 is replaced by arginine, an amino acid with similar properties. This amino acid position is conserved. In addition, the in silico prediction for this alteration is inconclusive. Based on the available evidence, the clinical significance of this variant remains unclear.

NM_001430.5(EPAS1):c.365C>G (p.Thr122Arg)

Gene: EPAS1 (endothelial PAS domain protein 1; plus strand). Cytogenetic location: 2p21.
Variant type: single nucleotide variant.
Coding change: c.365C>G on transcript NM_001430.5 (MANE Select); coding-DNA position 365, C replaced by G.
Protein change: p.Thr122Arg; replaces threonine 122 with arginine.
Molecular consequence: missense variant.
Genome position (GRCh38, 1-based): chr2:46,356,298, C>G. VCF-style: chr2-46356298-C-G. GRCh37 (hg19) VCF-style: chr2-46583437-C-G.
Other names: short protein forms T122R.
Identifiers: ClinVar variation 3508983 (VCV003508983.1).
Genomic context (GRCh38, chr2:46,356,298, plus strand): 5'-TGACCCAAGATGGCGACATGATCTTTCTGTCAGAAAACATCAGCAAGTTCATGGGACTTA[C>G]ACAGGTGACACCCTCCTCTATCTCTTTCAAAAGAAGAAATGTTTCCATTTGGGGGTAGAA-3'
Protein context (NP_001421.2, residues 112-132): SENISKFMGL[Thr122Arg]QVELTGHSIF